The following is an entry in ClinVar:

ClinVar aggregate classification (germline): Uncertain significance (1 of 4 stars; one submission).

Conditions:
Early-infantile DEE. Also called: Ohtahara syndrome; Early infantile epileptic encephalopathy with suppression bursts; Early infantile epileptic encephalopathy. Identifiers: Orphanet 1934, MedGen C0393706, MONDO:0800491.

Submission:

Labcorp Genetics (formerly Invitae), Labcorp
Classification: Uncertain significance for Early-infantile DEE. Last evaluated: 2022-08-31. Review status: criteria provided, single submitter. Criteria: Invitae Variant Classification Sherloc (09022015). Collection method: clinical testing. Allele origin: germline.
Comment: This sequence change replaces aspartic acid, which is acidic and polar, with histidine, which is basic and polar, at codon 270 of the SLC25A22 protein (p.Asp270His). This variant is not present in population databases (gnomAD no frequency). In summary, the available evidence is currently insufficient to determine the role of this variant in disease. Therefore, it has been classified as a Variant of Uncertain Significance. Algorithms developed to predict the effect of missense changes on protein structure and function are either unavailable or do not agree on the potential impact of this missense change (SIFT: "Tolerated"; PolyPhen-2: "Probably Damaging"; Align-GVGD: "Class C0"). ClinVar contains an entry for this variant (Variation ID: 835016). This variant has not been reported in the literature in individuals affected with SLC25A22-related conditions.

NM_001191061.2(SLC25A22):c.808G>C (p.Asp270His)

Gene: SLC25A22 (solute carrier family 25 member 22; minus strand). Cytogenetic location: 11p15.5.
Variant type: single nucleotide variant.
Coding change: c.808G>C on transcript NM_001191061.2 (MANE Select); coding-DNA position 808, G replaced by C.
Protein change: p.Asp270His; replaces aspartic acid 270 with histidine.
Molecular consequence: missense variant.
Genome position (GRCh38, 1-based): chr11:792,152, C>G on the plus strand (G>C on the coding strand, the complement: SLC25A22 is on the minus strand). VCF-style: chr11-792152-C-G. GRCh37 (hg19) VCF-style: chr11-792152-C-G.
Other names: c.808G>C, p.Asp270His (NM_001191060.2, NM_024698.6); short protein forms D270H.
Identifiers: ClinVar variation 835016 (VCV000835016.10), dbSNP rs1864556372, ClinGen allele CA378967512.